The following is an entry in ClinVar:

ClinVar aggregate classification (germline): Conflicting classifications of pathogenicity. Review status: criteria provided, conflicting classifications (1 of 4 stars). 3 submissions from 3 submitters: Uncertain significance (1); Likely benign (2). Last evaluated 2026-01-22.

Conditions:
Congenital lactic acidosis, Saguenay-Lac-Saint-Jean type (MC4DN5). Also called: CYTOCHROME c OXIDASE DEFICIENCY, FRENCH CANADIAN TYPE; COX DEFICIENCY, FRENCH CANADIAN TYPE; MITOCHONDRIAL COMPLEX IV DEFICIENCY, NUCLEAR TYPE 5. Identifiers: Orphanet 70472, MedGen C1857355, MONDO:0009069, OMIM 220111.

Allele frequency attached by ClinVar (database versions not stated): gnomAD 0.00002 and 0.00004; TOPMed 0.00004; gnomAD exomes 0.00005 and 0.00010; ExAC 0.00006; 1000 Genomes Project 30x 0.00016; 1000 Genomes Project 0.00020.
gnomAD v4.1: 150 of 1,602,796 alleles (0.0094%); highest among the groups gnomAD compares: East Asian, 0.33%; no homozygotes.

Submissions (3):

Labcorp Genetics (formerly Invitae), Labcorp
Classification: Likely benign. Last evaluated: 2026-01-22. Review status: criteria provided, single submitter. Criteria: Invitae Variant Classification Sherloc (09022015). Collection method: clinical testing. Allele origin: germline.

GeneDx
Classification: Likely benign. Last evaluated: 2018-04-05. Review status: criteria provided, single submitter. Criteria: GeneDx Variant Classification (06012015). Collection method: clinical testing. Allele origin: germline. Affected: yes.
Comment: This variant is considered likely benign or benign based on one or more of the following criteria: it is a conservative change, it occurs at a poorly conserved position in the protein, it is predicted to be benign by multiple in silico algorithms, and/or has population frequency not consistent with disease.

Illumina Laboratory Services, Illumina
Classification: Uncertain significance for Congenital lactic acidosis, Saguenay-Lac-Saint-Jean type. Last evaluated: 2018-01-13. Review status: criteria provided, single submitter. Criteria: ICSL Variant Classification Criteria 13 December 2019. Collection method: clinical testing. Allele origin: germline.

NM_133259.4(LRPPRC):c.525T>C (p.Asn175=)

Gene: LRPPRC (leucine rich pentatricopeptide repeat containing; minus strand). Cytogenetic location: 2p21.
Variant type: single nucleotide variant.
Coding change: c.525T>C on transcript NM_133259.4 (MANE Select); coding-DNA position 525, T replaced by C.
Protein change: p.Asn175=; no amino-acid change (asparagine 175 retained).
Molecular consequence: synonymous variant.
Genome position (GRCh38, 1-based): chr2:43,977,221, A>G on the plus strand (T>C on the coding strand, the complement: LRPPRC is on the minus strand). VCF-style: chr2-43977221-A-G. GRCh37 (hg19) VCF-style: chr2-44204360-A-G.
Identifiers: ClinVar variation 680928 (VCV000680928.15), dbSNP rs570349090, ClinGen allele CA1639326.
Genomic context (GRCh38, chr2:43,977,221, plus strand): 5'-TGGTTGAATGTTTGCTTCCTCCATTTTTGCCAGGAAATCAGTTGGTGAGAATTTATATTC[A>G]TTTTGAAGATAGACTTTAAGTAAAGCATTATAGTGACTCACATCATACACAGCACCTACA-3'
Protein context (NP_573566.2, residues 165-185): YNALLKVYLQ[Asn175=]EYKFSPTDFL